The following is an entry in ClinVar:

ClinVar aggregate classification (germline): Benign (0 of 4 stars; one submission).

Conditions:
CSMD3-related disorder. Also called: CSMD3-related condition.

Allele frequency attached by ClinVar (database versions not stated): ExAC 0.00065; ESP Exome Variant Server 0.00231; gnomAD 0.00257; TOPMed 0.00269; 1000 Genomes Project 0.00280; 1000 Genomes Project 30x 0.00281.
gnomAD v4.1: 752 of 1,614,104 alleles (0.047%); highest among the groups gnomAD compares: African/African-American, 0.9%; 6 homozygotes.

Submission:

PreventionGenetics, part of Exact Sciences
Classification: Benign for CSMD3-related condition. Last evaluated: 2019-11-06. Review status: no assertion criteria provided. Collection method: clinical testing. Allele origin: germline.
Comment: This variant is classified as benign based on ACMG/AMP sequence variant interpretation guidelines (Richards et al. 2015 PMID: 25741868, with internal and published modifications).

NM_198123.2(CSMD3):c.88C>T (p.Leu30=)

Gene: CSMD3 (CUB and Sushi multiple domains 3; minus strand). Cytogenetic location: 8q23.3.
Variant type: single nucleotide variant.
Coding change: c.88C>T on transcript NM_198123.2 (MANE Select); coding-DNA position 88, C replaced by T.
Protein change: p.Leu30=; no amino-acid change (leucine 30 retained).
Molecular consequence: synonymous variant.
Genome position (GRCh38, 1-based): chr8:113,436,767, G>A on the plus strand (C>T on the coding strand, the complement: CSMD3 is on the minus strand). VCF-style: chr8-113436767-G-A. GRCh37 (hg19) VCF-style: chr8-114448996-G-A.
Other names: c.88C>T, p.Leu30= (NM_001363185.1, NM_052900.3).
Identifiers: ClinVar variation 3045912 (VCV003045912.2), dbSNP rs113405539, ClinGen allele CA4851386.